The following is an entry in ClinVar:

ClinVar aggregate classification (germline): Likely benign. Review status: criteria provided, multiple submitters, no conflicts (2 of 4 stars). 12 submissions from 12 submitters: Likely benign (10). 2 of the submissions do not count toward it. Last evaluated 2025-02-16.

Conditions:
Cardiomyopathy (CMYO). Also called: Cardiomyopathies. Identifiers: Orphanet 167848, MedGen C0878544, MONDO:0004994, HP:0001638. Inheritance: Various modes of inheritance.
Arrhythmogenic cardiomyopathy with wooly hair and keratoderma. Also called: Carvajal syndrome; Dilated cardiomyopathy with woolly hair and keratoderma; Arrhythmogenic cardiomyopathy with woolly hair and keratoderma; PALMOPLANTAR KERATODERMA WITH LEFT VENTRICULAR CARDIOMYOPATHY AND WOOLLY HAIR. Identifiers: Orphanet 65282, MedGen C1854063, MONDO:0011581, OMIM 605676.
Cardiovascular phenotype. Identifiers: MedGen CN230736.
Arrhythmogenic right ventricular dysplasia 8 (ARVD8). Also called: Arrhythmogenic Right Ventricular Dysplasia/Cardiomyopathy 8; ARRHYTHMOGENIC RIGHT VENTRICULAR DYSPLASIA, FAMILIAL, 8; ARRHYTHMOGENIC RIGHT VENTRICULAR CARDIOMYOPATHY 8. Identifiers: MedGen C1843896, MONDO:0011831, OMIM 607450.

Allele frequency attached by ClinVar (database versions not stated): gnomAD exomes 0.00001 and 0.00002; ExAC 0.00002; TOPMed 0.00003.
gnomAD v4.1: 15 of 1,614,122 alleles (0.00093%); highest among the groups gnomAD compares: Middle Eastern, 0.049%; 1 homozygote.

Submissions (12):

Labcorp Genetics (formerly Invitae), Labcorp
Classification: Likely benign for Arrhythmogenic cardiomyopathy with wooly hair and keratoderma; Arrhythmogenic right ventricular dysplasia 8. Last evaluated: 2025-02-16. Review status: criteria provided, single submitter. Criteria: Invitae Variant Classification Sherloc (09022015). Collection method: clinical testing. Allele origin: germline.

All of Us Research Program, National Institutes of Health
Classification: Likely benign for Arrhythmogenic cardiomyopathy with wooly hair and keratoderma. Last evaluated: 2024-08-06. Review status: criteria provided, single submitter. Criteria: ACMG Guidelines, 2015. Collection method: clinical testing. Allele origin: germline. Inheritance: Autosomal dominant inheritance. Observed: 9 variant alleles, 9 heterozygotes.
Comment: This study involves interpretation of variants in research participants for the purpose of population health screening. Participant phenotype was not available at the time of variant classification. Additional details can be found in publication PMID: 35346344, PMCID: PMC8962531

Blueprint Genetics
Classification: Likely benign. Last evaluated: 2022-08-15. Review status: criteria provided, single submitter. Criteria: ACMG Guidelines, 2015. Collection method: clinical testing. Allele origin: germline.

CHEO Genetics Diagnostic Laboratory, Children's Hospital of Eastern Ontario
Classification: Likely benign for Cardiomyopathy. Last evaluated: 2022-02-18. Review status: criteria provided, single submitter. Criteria: ACMG Guidelines, 2015. Collection method: clinical testing. Allele origin: germline.

GeneDx
Classification: Likely benign. Last evaluated: 2019-11-05. Review status: criteria provided, single submitter. Criteria: GeneDx Variant Classification Process June 2021. Collection method: clinical testing. Allele origin: germline. Affected: yes.

Women's Health and Genetics/Laboratory Corporation of America, LabCorp
Classification: Likely benign. Last evaluated: 2019-11-02. Review status: criteria provided, single submitter. Criteria: LabCorp Variant Classification Summary - May 2015. Collection method: clinical testing. Allele origin: germline.

Ambry Genetics
Classification: Likely benign for Cardiovascular phenotype. Last evaluated: 2019-07-17. Review status: criteria provided, single submitter. Criteria: Ambry Variant Classification Scheme 2023. Collection method: clinical testing. Allele origin: germline.

Color Diagnostics, LLC DBA Color Health
Classification: Likely benign for Cardiomyopathy. Last evaluated: 2018-11-25. Review status: criteria provided, single submitter. Criteria: ACMG Guidelines, 2015. Collection method: clinical testing. Allele origin: germline.

Laboratory for Molecular Medicine, Mass General Brigham Personalized Medicine
Classification: Likely benign. Last evaluated: 2015-02-13. Review status: criteria provided, single submitter. Criteria: LMM Criteria. Collection method: clinical testing. Allele origin: germline. Observed: 1 variant allele.
Comment: p.Thr2798Thr in exon 24 of DSP: This variant is not expected to have clinical si gnificance because it does not alter an amino acid residue and is not located wi thin the splice consensus sequence. The variant has been identified in 2/66698 E uropean chromosomes by the Exome Aggregation Consortium (ExAC).

Breakthrough Genomics
Classification: Likely benign. Review status: criteria provided, single submitter. Criteria: ACMG Guidelines, 2015. Collection method: not provided. Allele origin: germline. Inheritance: Autosomal recessive inheritance. Affected: yes.

Genome Diagnostics Laboratory, University Medical Center Utrecht
Classification: Likely benign. Review status: no assertion criteria provided. Collection method: clinical testing. Allele origin: germline. Affected: yes. Study: VKGL Data-share Consensus. Not counted in ClinVar's aggregate classification.

Joint Genome Diagnostic Labs from Nijmegen and Maastricht, Radboudumc and MUMC+
Classification: Likely benign. Review status: no assertion criteria provided. Collection method: clinical testing. Allele origin: germline. Affected: yes. Study: VKGL Data-share Consensus. Not counted in ClinVar's aggregate classification.

NM_004415.4(DSP):c.8394T>A (p.Thr2798=)

Gene: DSP (desmoplakin; plus strand). Cytogenetic location: 6p24.3.
Variant type: single nucleotide variant.
Coding change: c.8394T>A on transcript NM_004415.4 (MANE Select); coding-DNA position 8394, T replaced by A.
Protein change: p.Thr2798=; no amino-acid change (threonine 2798 retained).
Molecular consequence: synonymous variant.
Genome position (GRCh38, 1-based): chr6:7,585,656, T>A. VCF-style: chr6-7585656-T-A. GRCh37 (hg19) VCF-style: chr6-7585889-T-A.
Other names: c.6597T>A, p.Thr2199= (NM_001008844.3); c.7065T>A, p.Thr2355= (NM_001319034.2).
Identifiers: ClinVar variation 227345 (VCV000227345.25), dbSNP rs775346694, ClinGen allele CA052210.